The following is an entry in ClinVar:

ClinVar aggregate classification (germline): Pathogenic. Review status: reviewed by expert panel (3 of 4 stars). 2 submissions from 2 submitters: Pathogenic (1). 1 of the submissions does not count toward it. Last evaluated 2016-09-08.

Conditions:
Breast-ovarian cancer, familial, susceptibility to, 1 (BROVCA1). Also called: BRCA1 Hereditary Breast and Ovarian Cancer; OVARIAN CANCER, SUSCEPTIBILITY TO. Identifiers: Orphanet 145, MedGen C2676676, MONDO:0011450, OMIM 604370. Disease mechanism: loss of function.

Submissions (2):

Evidence-based Network for the Interpretation of Germline Mutant Alleles (ENIGMA)
Classification: Pathogenic for Breast-ovarian cancer, familial, susceptibility to, 1. Last evaluated: 2016-09-08. Review status: reviewed by expert panel. Criteria: ENIGMA BRCA1/2 Classification Criteria (2015). Collection method: curation. Allele origin: germline.
Comment: Variant allele predicted to encode a truncated non-functional protein.

Sharing Clinical Reports Project (SCRP)
Classification: Pathogenic for Breast-ovarian cancer, familial 1. Last evaluated: 2011-05-02. Review status: no assertion criteria provided. Collection method: clinical testing. Allele origin: germline. Not counted in ClinVar's aggregate classification.

NM_007294.4(BRCA1):c.368del (p.Ser123fs)

Gene: BRCA1 (BRCA1 DNA repair associated; minus strand). Cytogenetic location: 17q21.31.
Variant type: Deletion.
Coding change: c.368del on transcript NM_007294.4 (MANE Select); coding-DNA position 368, one base deleted (C; older notation c.368delC).
Protein change: p.Ser123fs; shifts the reading frame from serine 123.
Molecular consequence: frameshift variant. On other transcripts: non-coding transcript variant (1).
Genome position (GRCh38, 1-based): chr17:43,104,195, G deleted on the plus strand (C on the coding strand, the reverse complement: BRCA1 is on the minus strand). VCF-style (leftmost placement, unchanged base first): chr17-43104194-AG-A. GRCh37 (hg19) VCF-style: chr17-41256211-AG-A.
Other names: 487delC; c.158delC, p.Ser53Leufs (NM_001408506.1, NM_001408507.1, NM_001408508.1 and 58 more transcripts); c.-14delC (NM_001408510.1, NM_001408512.1, NM_001407959.1 and 4 more transcripts); c.227delC, p.Ser76Leufs (NM_001408511.1, NM_001407692.1, NM_001407694.1 and 98 more transcripts); c.227del, p.Ser76fs (NM_007297.4); c.368delC, p.Ser123Leufs (NM_007298.4, NM_007304.2, NM_001407581.1 and 163 more transcripts); c.368del, p.Ser123fs (NM_007299.4, NM_007300.4); c.359delC, p.Ser120Leufs (NM_001407646.1, NM_001407647.1, NM_001408408.1); and 2 more; short protein forms S76fs, S123fs.
Identifiers: ClinVar variation 96914 (VCV000096914.3), dbSNP rs431825397, ClinGen allele CA002360.